The following is an entry in ClinVar:

ClinVar aggregate classification (germline): Uncertain significance (1 of 4 stars; one submission).

Conditions:
Hereditary cancer-predisposing syndrome. Also called: Tumor predisposition; Neoplastic Syndromes, Hereditary; Hereditary Cancer Syndrome; Hereditary neoplastic syndrome. Identifiers: Orphanet 140162, MedGen C0027672, MeSH D009386, MONDO:0015356.

Submission:

Ambry Genetics
Classification: Uncertain significance for Hereditary cancer-predisposing syndrome. Last evaluated: 2024-07-23. Review status: criteria provided, single submitter. Criteria: Ambry Variant Classification Scheme 2023. Collection method: clinical testing. Allele origin: germline.
Comment: The p.N105S variant (also known as c.314A>G), located in coding exon 1 of the CHEK2 gene, results from an A to G substitution at nucleotide position 314. The asparagine at codon 105 is replaced by serine, an amino acid with highly similar properties. This amino acid position is highly conserved in available vertebrate species. In addition, the in silico prediction for this alteration is inconclusive. Based on the available evidence, the clinical significance of this variant remains unclear.

NM_007194.4(CHEK2):c.314A>G (p.Asn105Ser)

Gene: CHEK2 (checkpoint kinase 2; minus strand). Cytogenetic location: 22q12.1.
Variant type: single nucleotide variant.
Coding change: c.314A>G on transcript NM_007194.4 (MANE Select); coding-DNA position 314, A replaced by G.
Protein change: p.Asn105Ser; replaces asparagine 105 with serine.
Molecular consequence: missense variant.
Genome position (GRCh38, 1-based): chr22:28,734,408, T>C on the plus strand (A>G on the coding strand, the complement: CHEK2 is on the minus strand). VCF-style: chr22-28734408-T-C. GRCh37 (hg19) VCF-style: chr22-29130396-T-C.
Other names: c.314A>G, p.Asn105Ser (NM_001005735.3, NM_001349956.3, NM_145862.3); c.-464A>G (NM_001257387.3); short protein forms N105S.
Identifiers: ClinVar variation 1728160 (VCV001728160.3), dbSNP rs2146143451, ClinGen allele CA411090181.
Genomic context (GRCh38, chr22:28,734,408, plus strand): 5'-TTTCTGTAAGTGTTTTTCTGAACAAAACGTGATACTATACAACAAAGGGTCTTACCAAGA[T>C]TGGCAAATCCATCCTGAAGGGCCCATAATCGAGCCCAGGGGGCAGGGGTAGGCTCCTCAG-3'
Protein context (NP_009125.1, residues 95-115): RLWALQDGFA[Asn105Ser]LECVNDNYWF